The following is an entry in ClinVar:

ClinVar aggregate classification (germline): Uncertain significance (1 of 4 stars; one submission).

Conditions:
Developmental and epileptic encephalopathy, 30 (DEE30). Also called: Epileptic encephalopathy, early infantile, 30. Identifiers: MedGen C4225360, MONDO:0014595, OMIM 616341.

Submission:

Labcorp Genetics (formerly Invitae), Labcorp
Classification: Uncertain significance for Developmental and epileptic encephalopathy, 30. Last evaluated: 2022-02-11. Review status: criteria provided, single submitter. Criteria: Invitae Variant Classification Sherloc (09022015). Collection method: clinical testing. Allele origin: germline.
Comment: In summary, the available evidence is currently insufficient to determine the role of this variant in disease. Therefore, it has been classified as a Variant of Uncertain Significance. Experimental studies and prediction algorithms are not available or were not evaluated, and the functional significance of this variant is currently unknown. This variant has not been reported in the literature in individuals affected with SIK1-related conditions. This variant is not present in population databases (gnomAD no frequency). This variant, c.9_11del, results in the deletion of 1 amino acid(s) of the SIK1 protein (p.Ile3del), but otherwise preserves the integrity of the reading frame.

NM_173354.5(SIK1):c.9_11del (p.Ile3del)

Gene: SIK1 (salt inducible kinase 1; minus strand). Cytogenetic location: 21q22.3.
Variant type: Deletion.
Coding change: c.9_11del on transcript NM_173354.5 (MANE Select); coding-DNA positions 9 to 11, 3 bases deleted (CAT; older notation c.9_11delCAT).
Protein change: p.Ile3del; deletes isoleucine 3.
Molecular consequence: inframe deletion.
Genome position (GRCh38, 1-based): chr21:43,426,168-43,426,170, ATG deleted on the plus strand (CAT on the coding strand, the reverse complement: SIK1 is on the minus strand); deleting any 3 consecutive bases within chr21:43,426,168-43,426,172 gives the same sequence; the c. name uses the placement nearest the transcript's 3' end. VCF-style (leftmost placement, unchanged base first): chr21-43426167-CATG-C. GRCh37 (hg19) VCF-style: chr21-44846047-CATG-C.
Other names: short protein forms I3del.
Identifiers: ClinVar variation 1488221 (VCV001488221.6), dbSNP rs2146476618, ClinGen allele CA2573157455.